The following is an entry in ClinVar:

ClinVar aggregate classification (germline): Uncertain significance (1 of 4 stars; one submission).

Conditions:
Leigh syndrome (NULS). Also called: Leigh Syndrome (mtDNA deletion); Leigh's necrotizing encephalopathy; Leigh's disease; Leigh's syndrome; LEIGH SYNDROME, NUCLEAR; Leigh Disease. Identifiers: Orphanet 506, MedGen C2931891, MONDO:0009723, OMIM 256000.

Submission:

Labcorp Genetics (formerly Invitae), Labcorp
Classification: Uncertain significance for Leigh syndrome. Last evaluated: 2022-03-24. Review status: criteria provided, single submitter. Criteria: Invitae Variant Classification Sherloc (09022015). Collection method: clinical testing. Allele origin: germline.
Comment: This sequence change replaces glycine, which is neutral and non-polar, with arginine, which is basic and polar, at codon 10 of the SURF1 protein (p.Gly10Arg). This variant is not present in population databases (gnomAD no frequency). This variant has not been reported in the literature in individuals affected with SURF1-related conditions. Algorithms developed to predict the effect of missense changes on protein structure and function output the following: SIFT: "Tolerated"; PolyPhen-2: "Not Available"; Align-GVGD: "Class C0". The arginine amino acid residue is found in multiple mammalian species, which suggests that this missense change does not adversely affect protein function. In summary, the available evidence is currently insufficient to determine the role of this variant in disease. Therefore, it has been classified as a Variant of Uncertain Significance.

NM_003172.4(SURF1):c.28G>A (p.Gly10Arg)

Gene: SURF1 (SURF1 cytochrome c oxidase assembly factor; minus strand). Cytogenetic location: 9q34.2.
Variant type: single nucleotide variant.
Coding change: c.28G>A on transcript NM_003172.4 (MANE Select); coding-DNA position 28, G replaced by A.
Protein change: p.Gly10Arg; replaces glycine 10 with arginine.
Molecular consequence: missense variant. On other transcripts: 5 prime UTR variant (1).
Genome position (GRCh38, 1-based): chr9:133,356,426, C>T on the plus strand (G>A on the coding strand, the complement: SURF1 is on the minus strand). VCF-style: chr9-133356426-C-T. GRCh37 (hg19) VCF-style: chr9-136223302-C-T.
Other names: c.-248G>A (NM_001280787.1); short protein forms G10R.
Identifiers: ClinVar variation 2087358 (VCV002087358.4), dbSNP rs2490629084, ClinGen allele CA375695170.